The following is an entry in ClinVar:

ClinVar aggregate classification (germline): Uncertain significance (1 of 4 stars; one submission).

Conditions:
Fanconi anemia (FA). Also called: Fanconi's anemia. Identifiers: Orphanet 84, MedGen C0015625, MeSH D005199, MONDO:0019391.

Allele frequency attached by ClinVar (database versions not stated): gnomAD exomes below 0.00001; TOPMed 0.00004.
gnomAD v4.1: 8 of 1,614,088 alleles (0.0005%); highest among the groups gnomAD compares: Admixed American, 0.0033%; no homozygotes.

Submission:

Labcorp Genetics (formerly Invitae), Labcorp
Classification: Uncertain significance for Fanconi anemia. Last evaluated: 2022-03-17. Review status: criteria provided, single submitter. Criteria: Invitae Variant Classification Sherloc (09022015). Collection method: clinical testing. Allele origin: germline.
Comment: This sequence change replaces alanine, which is neutral and non-polar, with valine, which is neutral and non-polar, at codon 907 of the FANCA protein (p.Ala907Val). This variant is not present in population databases (gnomAD no frequency). This variant has not been reported in the literature in individuals affected with FANCA-related conditions. Algorithms developed to predict the effect of missense changes on protein structure and function are either unavailable or do not agree on the potential impact of this missense change (SIFT: "Tolerated"; PolyPhen-2: "Possibly Damaging"; Align-GVGD: "Class C0"). In summary, the available evidence is currently insufficient to determine the role of this variant in disease. Therefore, it has been classified as a Variant of Uncertain Significance.

NM_000135.4(FANCA):c.2720C>T (p.Ala907Val)

Gene: FANCA (FA complementation group A; minus strand). Cytogenetic location: 16q24.3.
Variant type: single nucleotide variant.
Coding change: c.2720C>T on transcript NM_000135.4 (MANE Select); coding-DNA position 2720, C replaced by T.
Protein change: p.Ala907Val; replaces alanine 907 with valine.
Molecular consequence: missense variant.
Genome position (GRCh38, 1-based): chr16:89,764,948, G>A on the plus strand (C>T on the coding strand, the complement: FANCA is on the minus strand). VCF-style: chr16-89764948-G-A. GRCh37 (hg19) VCF-style: chr16-89831356-G-A.
Other names: c.2720C>T, p.Ala907Val (NM_001286167.3); short protein forms A907V.
Identifiers: ClinVar variation 2170560 (VCV002170560.1), dbSNP rs1032654534, ClinGen allele CA16622085.